The following is an entry in ClinVar:

NM_007078.3(LDB3):c.2094+4T>A

Gene: LDB3 (LIM domain binding 3; plus strand). Cytogenetic location: 10q23.2.
Variant type: single nucleotide variant.
Coding change: c.2094+4T>A on transcript NM_007078.3 (MANE Select); 4 bases into the intron after coding-DNA position 2094, T replaced by A.
Molecular consequence: intron variant.
Genome position (GRCh38, 1-based): chr10:86,726,256, T>A. VCF-style: chr10-86726256-T-A. GRCh37 (hg19) VCF-style: chr10-88486013-T-A.
Other names: c.1905+4T>A (NM_001368064.1, NM_001368065.1); c.2109+4T>A (NM_001171610.2); c.1953+4T>A (NM_001368066.1); c.1764+4T>A (NM_001080114.2).
Identifiers: ClinVar variation 1899397 (VCV001899397.5), dbSNP rs1443727562, ClinGen allele CA377458195.
Genomic context (GRCh38, chr10:86,726,256, plus strand): 5'-GACAAGTTTATCGAAGCCCTGGGCCACACTTGGCACGACACCTGCTTCATTTGCGCAGTA[T>A]GTCTCTAGCTTGGGGCTCTGGCTTTCTGAGAAGAGGCAGGAGGGAGGAAGTGGGAGCCAG-3'

ClinVar aggregate classification (germline): Uncertain significance (1 of 4 stars; one submission).

Conditions:
Myofibrillar myopathy 4. Also called: Zaspopathy (type). Identifiers: Orphanet 98912, MedGen C4721886, MONDO:0012277, OMIM 609452.

Allele frequency attached by ClinVar (database versions not stated): gnomAD exomes below 0.00001; TOPMed 0.00003.
gnomAD v4.1: 2 of 1,612,258 alleles (0.00012%); highest among the groups gnomAD compares: Non-Finnish European, 0.000085%; no homozygotes.

Submission:

Labcorp Genetics (formerly Invitae), Labcorp
Classification: Uncertain significance for Myofibrillar myopathy 4. Last evaluated: 2022-08-02. Review status: criteria provided, single submitter. Criteria: Invitae Variant Classification Sherloc (09022015). Collection method: clinical testing. Allele origin: germline.
Comment: This sequence change falls in intron 13 of the LDB3 gene. It does not directly change the encoded amino acid sequence of the LDB3 protein. It affects a nucleotide within the consensus splice site. The LDB3 gene has multiple clinically relevant transcripts. This variant occurs in alternate transcript NM_007078.3, and corresponds to NM_001080116.1:c.*26882T>A in the primary transcript. In summary, the available evidence is currently insufficient to determine the role of this variant in disease. Therefore, it has been classified as a Variant of Uncertain Significance. Variants that disrupt the consensus splice site are a relatively common cause of aberrant splicing (PMID: 17576681, 9536098). Experimental studies and prediction algorithms are not available or were not evaluated, and the effect of this variant on mRNA splicing is currently unknown. This variant has not been reported in the literature in individuals affected with LDB3-related conditions. This variant is not present in population databases (gnomAD no frequency).

Literature cited by the submitters: PubMed 17576681; PubMed 9536098.